The following is an entry in ClinVar:

ClinVar aggregate classification (germline): Uncertain significance. Review status: criteria provided, multiple submitters, no conflicts (2 of 4 stars). 2 submissions from 2 submitters: Uncertain significance (2). Last evaluated 2025-03-14.

Conditions:
RYR1-related disorder. Also called: RYR1-related condition; RYR1-related disorders. Identifiers: MedGen CN239331.

Allele frequency attached by ClinVar (database versions not stated): gnomAD exomes below 0.00001; TOPMed below 0.00001; ESP Exome Variant Server 0.00008.

Submissions (2):

GeneDx
Classification: Uncertain significance. Last evaluated: 2025-03-14. Review status: criteria provided, single submitter. Criteria: GeneDx Variant Classification Process June 2021. Collection method: clinical testing. Allele origin: germline. Affected: yes.
Comment: Not observed at significant frequency in large population cohorts (gnomAD); In silico analysis supports that this missense variant has a deleterious effect on protein structure/function; Has not been previously published as pathogenic or benign to our knowledge

Labcorp Genetics (formerly Invitae), Labcorp
Classification: Uncertain significance for RYR1-related disorder. Last evaluated: 2022-03-29. Review status: criteria provided, single submitter. Criteria: Invitae Variant Classification Sherloc (09022015). Collection method: clinical testing. Allele origin: germline.
Comment: This variant is not present in population databases (gnomAD no frequency). This sequence change replaces methionine, which is neutral and non-polar, with threonine, which is neutral and polar, at codon 1647 of the RYR1 protein (p.Met1647Thr). In summary, the available evidence is currently insufficient to determine the role of this variant in disease. Therefore, it has been classified as a Variant of Uncertain Significance. Advanced modeling of protein sequence and biophysical properties (such as structural, functional, and spatial information, amino acid conservation, physicochemical variation, residue mobility, and thermodynamic stability) performed at Invitae indicates that this missense variant is not expected to disrupt RYR1 protein function. This variant has not been reported in the literature in individuals affected with RYR1-related conditions.

NM_000540.3(RYR1):c.4940T>C (p.Met1647Thr)

Gene: RYR1 (ryanodine receptor 1; plus strand). Cytogenetic location: 19q13.2.
Variant type: single nucleotide variant.
Coding change: c.4940T>C on transcript NM_000540.3 (MANE Select); coding-DNA position 4940, T replaced by C.
Protein change: p.Met1647Thr; replaces methionine 1647 with threonine.
Molecular consequence: missense variant.
Genome position (GRCh38, 1-based): chr19:38,485,595, T>C. VCF-style: chr19-38485595-T-C. GRCh37 (hg19) VCF-style: chr19-38976235-T-C.
Other names: c.4940T>C, p.Met1647Thr (NM_001042723.2); short protein forms M1647T.
Identifiers: ClinVar variation 2156194 (VCV002156194.5), dbSNP rs368726019, ClinGen allele CA308092791.